The following is an entry in ClinVar:

NM_001267550.2(TTN):c.105401A>T (p.Lys35134Met)

Genes: TTN-AS1 (TTN antisense RNA 1; plus strand), TTN (titin; minus strand). Cytogenetic location: 2q31.2.
Variant type: single nucleotide variant.
Coding change: c.105401A>T on transcript NM_001267550.2 (MANE Select); coding-DNA position 105401, A replaced by T.
Protein change: p.Lys35134Met; replaces lysine 35134 with methionine.
Molecular consequence: missense variant.
Genome position (GRCh38, 1-based): chr2:178,531,214, T>A on the plus strand (A>T on the coding strand, the complement: TTN is on the minus strand). VCF-style: chr2-178531214-T-A. GRCh37 (hg19) VCF-style: chr2-179395941-T-A.
Other names: c.100478A>T, p.Lys33493Met (NM_001256850.1); c.78206A>T, p.Lys26069Met (NM_003319.4); c.97697A>T, p.Lys32566Met (NM_133378.4); c.78581A>T, p.Lys26194Met (NM_133432.3); c.78782A>T, p.Lys26261Met (NM_133437.4); short protein forms K26261M, K32566M, K35134M, K26069M, K26194M, K33493M.
Identifiers: ClinVar variation 4789159 (VCV004789159.1).

ClinVar aggregate classification (germline): Uncertain significance (1 of 4 stars; one submission).

Conditions:
Autosomal recessive limb-girdle muscular dystrophy type 2J (LGMDR10). Also called: Limb-girdle muscular dystrophy, type 2J; MUSCULAR DYSTROPHY, LIMB-GIRDLE, AUTOSOMAL RECESSIVE 10. Identifiers: Orphanet 140922, MedGen C1837342, MONDO:0012127, OMIM 608807.
Dilated cardiomyopathy 1G (CMD1G). Identifiers: Orphanet 154, MedGen C1858763, MONDO:0011400, OMIM 604145.

gnomAD v4.1: 3 of 1,613,852 alleles (0.00019%); highest among the groups gnomAD compares: African/African-American, 0.004%; no homozygotes.

Submission:

Labcorp Genetics (formerly Invitae), Labcorp
Classification: Uncertain significance for Dilated cardiomyopathy 1G; Autosomal recessive limb-girdle muscular dystrophy type 2J. Last evaluated: 2025-08-01. Review status: criteria provided, single submitter. Criteria: Invitae Variant Classification Sherloc (09022015). Collection method: clinical testing. Allele origin: germline.
Comment: This sequence change replaces lysine, which is basic and polar, with methionine, which is neutral and non-polar, at codon 35134 of the TTN protein (p.Lys35134Met). This variant is present in population databases (no rsID available, gnomAD 0.01%). This variant has not been reported in the literature in individuals affected with TTN-related conditions. Experimental studies and prediction algorithms are not available or were not evaluated, and the functional significance of this variant is currently unknown. This variant is located in the M band of TTN (PMID: 25589632). Non-truncating variants in this region may be relevant for neuromuscular disorders, but have not been definitively shown to cause cardiomyopathy (PMID: 23975875). In summary, the available evidence is currently insufficient to determine the role of this variant in disease. Therefore, it has been classified as a Variant of Uncertain Significance.

Literature cited by the submitters: PubMed 25589632; PubMed 23975875.